The following is an entry in ClinVar:

NM_000051.4(ATM):c.428A>G (p.Asn143Ser)

Gene: ATM (ATM serine/threonine kinase; plus strand). Cytogenetic location: 11q22.3.
Variant type: single nucleotide variant.
Coding change: c.428A>G on transcript NM_000051.4 (MANE Select); coding-DNA position 428, A replaced by G.
Protein change: p.Asn143Ser; replaces asparagine 143 with serine.
Molecular consequence: missense variant.
Genome position (GRCh38, 1-based): chr11:108,235,766, A>G. VCF-style: chr11-108235766-A-G. GRCh37 (hg19) VCF-style: chr11-108106493-A-G.
Other names: c.428A>G, p.Asn143Ser (NM_001351834.2); short protein forms N143S.
Identifiers: ClinVar variation 582052 (VCV000582052.11), dbSNP rs1565357066, ClinGen allele CA382525166.

ClinVar aggregate classification (germline): Uncertain significance. Review status: criteria provided, multiple submitters, no conflicts (2 of 4 stars). 2 submissions from 2 submitters: Uncertain significance (2). Last evaluated 2022-02-04.

Conditions:
Hereditary cancer-predisposing syndrome. Also called: Neoplastic Syndromes, Hereditary; Hereditary Cancer Syndrome; Tumor predisposition; Hereditary neoplastic syndrome. Identifiers: Orphanet 140162, MedGen C0027672, MeSH D009386, MONDO:0015356.
Ataxia-telangiectasia syndrome (AT). Also called: Ataxia-telangiectasia, complementation group D; AT, COMPLEMENTATION GROUP C; Ataxia-telangiectasia, complementation group E; Cerebello-oculocutaneous telangiectasia; Immunodeficiency with ataxia telangiectasia; ATAXIA-TELANGIECTASIA, COMPLEMENTATION GROUP A. Identifiers: Orphanet 100, MedGen C0004135, MONDO:0008840, OMIM 208900.

Submissions (2):

Labcorp Genetics (formerly Invitae), Labcorp
Classification: Uncertain significance for Ataxia-telangiectasia syndrome. Last evaluated: 2022-02-04. Review status: criteria provided, single submitter. Criteria: Invitae Variant Classification Sherloc (09022015). Collection method: clinical testing. Allele origin: germline.
Comment: This sequence change replaces asparagine, which is neutral and polar, with serine, which is neutral and polar, at codon 143 of the ATM protein (p.Asn143Ser). ClinVar contains an entry for this variant (Variation ID: 582052). This variant has not been reported in the literature in individuals affected with ATM-related conditions. This variant is not present in population databases (gnomAD no frequency). Advanced modeling of protein sequence and biophysical properties (such as structural, functional, and spatial information, amino acid conservation, physicochemical variation, residue mobility, and thermodynamic stability) performed at Invitae indicates that this missense variant is not expected to disrupt ATM protein function. In summary, the available evidence is currently insufficient to determine the role of this variant in disease. Therefore, it has been classified as a Variant of Uncertain Significance.

Ambry Genetics
Classification: Uncertain significance for Hereditary cancer-predisposing syndrome. Last evaluated: 2015-11-30. Review status: criteria provided, single submitter. Criteria: Ambry Variant Classification Scheme 2023. Collection method: clinical testing. Allele origin: germline.
Comment: The p.N143S variant (also known as c.428A>G), located in coding exon 4 of the ATM gene, results from an A to G substitution at nucleotide position 428. The asparagine at codon 143 is replaced by serine, an amino acid with highly similar properties. This variant was not reported in population based cohorts in the following databases: Database of Single Nucleotide Polymorphisms (dbSNP), NHLBI Exome Sequencing Project (ESP), and 1000 Genomes Project. In the ESP, this variant was not observed in 6499 samples (12998 alleles) with coverage at this position. To date, this alteration has been detected with an allele frequency of approximately 0.001% (greater than 125000 alleles tested) in our clinical cohort. This amino acid position is not well conserved in available vertebrate species. In addition, this alteration is predicted to be tolerated by in silico analysis. Since supporting evidence is limited at this time, the clinical significance of p.N143S remains unclear.